The following is an entry in ClinVar:

ClinVar aggregate classification (germline): Benign/Likely benign. Review status: criteria provided, multiple submitters, no conflicts (2 of 4 stars). 8 submissions from 8 submitters: Benign (2); Likely benign (6). Last evaluated 2025-11-10.

Conditions:
Lynch syndrome 4 (LYNCH4). Also called: Hereditary non-polyposis colorectal cancer, type 4; Colorectal cancer, hereditary nonpolyposis, type 4. Identifiers: Orphanet 144, MedGen C1838333, MONDO:0013699, OMIM 614337. Disease mechanism: loss of function.
Hereditary nonpolyposis colorectal neoplasms. Identifiers: MedGen C0009405, MeSH D003123.
Hereditary cancer-predisposing syndrome. Also called: Tumor predisposition; Neoplastic Syndromes, Hereditary; Hereditary neoplastic syndrome; Hereditary Cancer Syndrome. Identifiers: Orphanet 140162, MedGen C0027672, MeSH D009386, MONDO:0015356.

Allele frequency attached by ClinVar (database versions not stated): gnomAD 0.00001; gnomAD exomes 0.00001 and 0.00004; ExAC 0.00002.
gnomAD v4.1: 10 of 1,612,752 alleles (0.00062%); highest among the groups gnomAD compares: South Asian, 0.0088%; no homozygotes.

Submissions (8):

Labcorp Genetics (formerly Invitae), Labcorp
Classification: Likely benign for Hereditary nonpolyposis colorectal neoplasms. Last evaluated: 2025-11-10. Review status: criteria provided, single submitter. Criteria: Invitae Variant Classification Sherloc (09022015). Collection method: clinical testing. Allele origin: germline.

KCCC/NGS Laboratory, Kuwait Cancer Control Center
Classification: Benign for Lynch syndrome 4. Last evaluated: 2025-02-01. Review status: criteria provided, single submitter. Criteria: ACMG Guidelines, 2015. Collection method: clinical testing. Allele origin: germline. Affected: no.

Myriad Genetics, Inc.
Classification: Benign for Lynch syndrome 4. Last evaluated: 2025-01-29. Review status: criteria provided, single submitter. Criteria: Myriad Autosomal Dominant, Autosomal Recessive and X-Linked Classification Criteria (2023). Collection method: clinical testing. Allele origin: unknown.
Comment: This variant is considered benign. This variant is a silent/synonymous amino acid change and it is not expected to impact splicing.

Women's Health and Genetics/Laboratory Corporation of America, LabCorp
Classification: Likely benign. Last evaluated: 2022-08-18. Review status: criteria provided, single submitter. Criteria: LabCorp Variant Classification Summary - May 2015. Collection method: clinical testing. Allele origin: germline.

GeneDx
Classification: Likely benign. Last evaluated: 2020-10-19. Review status: criteria provided, single submitter. Criteria: GeneDx Variant Classification Process June 2021. Collection method: clinical testing. Allele origin: germline. Affected: yes.

Blueprint Genetics
Classification: Likely benign. Last evaluated: 2020-01-28. Review status: criteria provided, single submitter. Criteria: ACMG Guidelines, 2015. Collection method: clinical testing. Allele origin: germline.

Ambry Genetics
Classification: Likely benign for Hereditary cancer-predisposing syndrome. Last evaluated: 2019-03-19. Review status: criteria provided, single submitter. Criteria: Ambry Variant Classification Scheme 2023. Collection method: clinical testing. Allele origin: germline.

Color Diagnostics, LLC DBA Color Health
Classification: Likely benign for Hereditary cancer-predisposing syndrome. Last evaluated: 2017-09-28. Review status: criteria provided, single submitter. Criteria: ACMG Guidelines, 2015. Collection method: clinical testing. Allele origin: germline.

NM_000535.7(PMS2):c.1095T>C (p.Ser365=)

Gene: PMS2 (PMS1 homolog 2, mismatch repair system component; minus strand). Cytogenetic location: 7p22.1.
Variant type: single nucleotide variant.
Coding change: c.1095T>C on transcript NM_000535.7 (MANE Select); coding-DNA position 1095, T replaced by C.
Protein change: p.Ser365=; no amino-acid change (serine 365 retained).
Molecular consequence: synonymous variant. On other transcripts: non-coding transcript variant (1), intron variant (2).
Genome position (GRCh38, 1-based): chr7:5,989,849, A>G on the plus strand (T>C on the coding strand, the complement: PMS2 is on the minus strand). VCF-style: chr7-5989849-A-G. GRCh37 (hg19) VCF-style: chr7-6029480-A-G.
Other names: c.690T>C, p.Ser230= (NM_001322003.2, NM_001322004.2, NM_001322005.2 and 1 more transcripts); c.777T>C, p.Ser259= (NM_001322007.2, NM_001322008.2); c.162T>C, p.Ser54= (NM_001322011.2, NM_001322012.2); c.522T>C, p.Ser174= (NM_001322013.2); c.1095T>C, p.Ser365= (NM_001322014.2); c.786T>C, p.Ser262= (NM_001322015.2); c.583+2124T>C (NM_001322010.2); c.988+2124T>C (NM_001322006.2).
Identifiers: ClinVar variation 382002 (VCV000382002.23), dbSNP rs763278132, ClinGen allele CA041883.
Genomic context (GRCh38, chr7:5,989,849, plus strand): 5'-ATTTTTCTTACCTTCAACATCCAGCAGTGGCTGCTGACTGACATTTAGCTTGTTGACATC[A>G]CTATCAAACATTCCTATCAAAGAGGTCTTTAAAACTGCCAACAAAAGCTTTTCCTCTTGT-3'
Protein context (NP_000526.2, residues 355-375): LKTSLIGMFD[Ser365=]DVNKLNVSQQ